The following is an entry in ClinVar:

ClinVar aggregate classification (germline): Pathogenic (1 of 4 stars; one submission).

Conditions:
Methylcobalamin deficiency type cblE (HMAE). Also called: VITAMIN B12-RESPONSIVE HOMOCYSTINURIA, cblE TYPE; HOMOCYSTINURIA-MEGALOBLASTIC ANEMIA, cblE TYPE; HOMOCYSTINURIA-MEGALOBLASTIC ANEMIA, cblE COMPLEMENTATION TYPE. Identifiers: Orphanet 2169, Orphanet 622, MedGen C1856057, MONDO:0009354, OMIM 236270.

Submission:

Labcorp Genetics (formerly Invitae), Labcorp
Classification: Pathogenic for Methylcobalamin deficiency type cblE. Last evaluated: 2024-01-26. Review status: criteria provided, single submitter. Criteria: Invitae Variant Classification Sherloc (09022015). Collection method: clinical testing. Allele origin: germline.
Comment: This sequence change affects the initiator methionine of the MTRR mRNA. The next in-frame methionine is located at codon 542. This variant is not present in population databases (gnomAD no frequency). This variant has not been reported in the literature in individuals affected with MTRR-related conditions. ClinVar contains an entry for this variant (Variation ID: 854617). This variant disrupts a region of the MTRR protein in which other variant(s) (p.Ser454Leu) have been determined to be pathogenic (PMID: 12971424, 15714522, 22887477, 25978498). This suggests that this is a clinically significant region of the protein, and that variants that disrupt it are likely to be disease-causing. For these reasons, this variant has been classified as Pathogenic.

Literature cited by the submitters: PubMed 12971424; PubMed 15714522; PubMed 22887477; PubMed 25978498.

NM_002454.3(MTRR):c.1A>G (p.Met1Val)

Gene: MTRR (5-methyltetrahydrofolate-homocysteine methyltransferase reductase; plus strand). Cytogenetic location: 5p15.31.
Variant type: single nucleotide variant.
Coding change: c.1A>G on transcript NM_002454.3 (MANE Select); coding-DNA position 1, A replaced by G.
Protein change: p.Met1Val; changes the start codon (methionine 1).
Molecular consequence: missense variant, initiator codon variant. On other transcripts: non-coding transcript variant (14).
Genome position (GRCh38, 1-based): chr5:7,870,795, A>G. VCF-style: chr5-7870795-A-G. GRCh37 (hg19) VCF-style: chr5-7870908-A-G.
Other names: c.1A>G, p.Met1Val (NM_001364440.2, NM_001364441.2, NM_001364442.2 and 1 more transcripts); short protein forms M1V.
Identifiers: ClinVar variation 854617 (VCV000854617.10), dbSNP rs1747827267, ClinGen allele CA359155498.
Genomic context (GRCh38, chr5:7,870,795, plus strand): 5'-ATTAAAAAGAGGATCTTTTTTCCCCCATTTTTCAGTTTCACTGTTACATGCCTTGAAGTG[A>G]TGAGGAGGTTTCTGTTACTATATGCTACACAGCAGGGACAGGCAAAGGCCATCGCAGAAG-3'
Protein context (NP_002445.2, residues 1-11): [Met1Val]RRFLLLYATQ